The following is an entry in ClinVar:

NM_004168.4(SDHA):c.622T>C (p.Ser208Pro)

Gene: SDHA (succinate dehydrogenase complex flavoprotein subunit A; plus strand). Cytogenetic location: 5p15.33.
Variant type: single nucleotide variant.
Coding change: c.622T>C on transcript NM_004168.4 (MANE Select); coding-DNA position 622, T replaced by C.
Protein change: p.Ser208Pro; replaces serine 208 with proline.
Molecular consequence: missense variant.
Genome position (GRCh38, 1-based): chr5:228,185, T>C. VCF-style: chr5-228185-T-C. GRCh37 (hg19) VCF-style: chr5-228300-T-C.
Other names: c.478T>C, p.Ser160Pro (NM_001294332.2); c.622T>C, p.Ser208Pro (NM_001330758.2); short protein forms S160P, S208P.
Identifiers: ClinVar variation 2151995 (VCV002151995.4), dbSNP rs2477314823, ClinGen allele CA359010782.

ClinVar aggregate classification (germline): Uncertain significance (1 of 4 stars; one submission).

Conditions:
Mitochondrial complex II deficiency, nuclear type 1. Also called: SUCCINATE CoQ REDUCTASE DEFICIENCY. Identifiers: Orphanet 3208, MedGen C5700310, MONDO:0100294, OMIM 252011.
Pheochromocytoma/paraganglioma syndrome 5. Also called: Paragangliomas 5; SDHA-Related Hereditary Paraganglioma-Pheochromocytoma Syndrome. Identifiers: Orphanet 29072, MedGen C3279992, MONDO:0013602, OMIM 614165.

Submission:

Labcorp Genetics (formerly Invitae), Labcorp
Classification: Uncertain significance for Pheochromocytoma/paraganglioma syndrome 5; Mitochondrial complex II deficiency, nuclear type 1. Last evaluated: 2022-04-28. Review status: criteria provided, single submitter. Criteria: Invitae Variant Classification Sherloc (09022015). Collection method: clinical testing. Allele origin: germline.
Comment: Algorithms developed to predict the effect of missense changes on protein structure and function are either unavailable or do not agree on the potential impact of this missense change (SIFT: "Deleterious"; PolyPhen-2: "Probably Damaging"; Align-GVGD: "Class C0"). In summary, the available evidence is currently insufficient to determine the role of this variant in disease. Therefore, it has been classified as a Variant of Uncertain Significance. This missense change has been observed in individual(s) with clinical features of paraganglioma-pheochromocytoma syndromes (PMID: 28384794). This variant is not present in population databases (gnomAD no frequency). This sequence change replaces serine, which is neutral and polar, with proline, which is neutral and non-polar, at codon 208 of the SDHA protein (p.Ser208Pro).

Literature cited by the submitters: PubMed 28384794.